The following is an entry in ClinVar:

NM_000545.8(HNF1A):c.872dup (p.Gly292fs)

Gene: HNF1A (HNF1 homeobox A; plus strand). Cytogenetic location: 12q24.31.
Variant type: Duplication.
Coding change: c.872dup on transcript NM_000545.8 (MANE Select); coding-DNA position 872, one base duplicated (C; older notation c.872dupC).
Protein change: p.Gly292fs; shifts the reading frame from glycine 292.
Molecular consequence: frameshift variant.
Genome position (GRCh38, 1-based): chr12:120,994,322, C duplicated; the last of 8 consecutive C bases (chr12:120,994,315-120,994,322); duplicating any one gives the same sequence. VCF-style (leftmost placement, unchanged base first): chr12-120994314-G-GC. GRCh37 (hg19) VCF-style: chr12-121432117-G-GC.
Other names: NM_000545.6(HNF1A):c.872dup; p.Gly292fs; c.872dupC (NM_000545.8, NM_000545.6, NM_000545.6); c.872dup, p.Gly292fs (NM_001306179.2); short protein forms G292fs.
Identifiers: ClinVar variation 14927 (VCV000014927.41), dbSNP rs587776825, ClinGen allele CA124453.

ClinVar aggregate classification (germline): Pathogenic. Review status: reviewed by expert panel (3 of 4 stars). 21 submissions from 17 submitters: Pathogenic (1). 20 of the submissions do not count toward it. Last evaluated 2022-04-15.

Conditions:
HNF1A-related disorder. Also called: HNF1A-related condition.
HNF1A-related disorders.
Monogenic diabetes. Identifiers: Orphanet 183625, MedGen C3888631, MONDO:0015967.
Clear cell carcinoma of kidney. Also called: Renal cell carcinoma, clear cell, somatic; Clear cell renal carcinoma; Clear cell renal cell carcinoma; Clear cell RCC; Cystic-multilocular variant; Clear-cell metastatic renal cell carcinoma (subtype). Identifiers: Orphanet 319276, MedGen C0279702, MONDO:0005005, HP:0006770.
Maturity-onset diabetes of the young (MODY). Also called: Maturity onset diabetes mellitus in young. Identifiers: Orphanet 552, MedGen C0342276, MONDO:0018911, HP:0004904.
Diabetes mellitus type 1 (T1D). Also called: Type I diabetes mellitus; Diabetes Mellitus, Juvenile-Onset. Identifiers: MedGen C0011854, MONDO:0005147, OMIM 222100, HP:0100651.
Hepatic adenomas, familial. Also called: HEPATIC ADENOMA, SOMATIC; LIVER CELL ADENOMAS, FAMILIAL. Identifiers: MedGen C1840646, MONDO:0007718, OMIM 142330.
Maturity-onset diabetes of the young type 3. Also called: MODY type 3; MODY, type III. Identifiers: Orphanet 552, MedGen C1838100, MeSH C563933, MONDO:0010894, OMIM 600496. Disease mechanism: loss of function.
Type 1 diabetes mellitus 20 (T1D20). Also called: Diabetes mellitus, insulin-dependent, 20. Identifiers: MedGen C2675866, MONDO:0012919, OMIM 612520.
DiGeorge syndrome. Also called: Catch22; THIRD AND FOURTH PHARYNGEAL POUCH SYNDROME. Identifiers: Orphanet 567, MedGen C0012236, MONDO:0008564, OMIM 188400.

Submissions 1 to 6 of 21:

ClinGen Monogenic Diabetes Variant Curation Expert Panel
Classification: Pathogenic for Monogenic diabetes. Last evaluated: 2022-04-15. Review status: reviewed by expert panel. Criteria: ClinGen Diabetes ACMG Specifications v1 1. Collection method: curation. Allele origin: germline. Inheritance: Autosomal dominant inheritance.
Comment: The c.872dupC variant in the HNF1 homeobox A gene, HNF1A, causes a frameshift in the protein at codon 292 (NM_000545.8), adding 25 novel amino acids before encountering a stop codon (p.(Gly292ArgfsTer25)). This variant, located in biologically-relevant exon 4 of 10, is predicted to lead to nonsense mediated decay in a gene in which loss-of-function is an established disease mechanism (PVS1; PMID: 23348805). Additionally, this variant segregated with diabetes, with at least 100 informative meioses in multiple families with MODY (PP1_Strong; internal lab contributors). This variant was identified as a de novo occurrence with confirmed parental relationships in one individual and unconfirmed parental relationships in another individual with diabetes, but whose clinical picture is suggestive but not highly specific for HNF1A-MODY (MODY probability calculator result >50% but HNF4A not tested) (PS2_Moderate; PMID:9166684, internal lab contributors). The variant is located in a poly-C tract and failed QC in gnomAD v2.1.1 in a manner typical of single base deletions in poly-C tracts in NGS; therefore, PM2_Supporting could not be applied. This variant was identified in at least 200 unrelated individuals with non- autoimmune and non-absolute/near-absolute insulin-deficient diabetes; however, PS4_Moderate cannot be applied because PM2_Supporting cannot be applied (internal lab contributors). In summary, c.872dupC meets the criteria to be classified as pathogenic for monogenic diabetes. ACMG/AMP criteria applied, as specified by the ClinGen MDEP (specification version 1.1, approved 9/30/21): PVS1, PS2_Moderate, PP1_Strong.

PreventionGenetics, part of Exact Sciences
Classification: Pathogenic for HNF1A-related condition. Last evaluated: 2026-08-28. Review status: criteria provided, single submitter. Criteria: ACMG Guidelines, 2015. Collection method: clinical testing. Allele origin: germline. Not counted in ClinVar's aggregate classification.
Comment: The HNF1A c.872dupC variant is predicted to result in a frameshift and premature protein termination (p.Gly292Argfs*25). This variant has been reported in the heterozygous state in a large number of individuals with maturity onset diabetes of the young (MODY) (See for example, Yamagata et al. 1996. PubMed ID: 8945470; Weinert et al. 2014. PubMed ID: 25174781). It is considered to be the most common pathogenic variant found in HNF1A world-wide (Colclough. 2013. PubMed ID: 23348805). This variant is reported in 0.048% of alleles in individuals of East Asian descent in gnomAD. Frameshift variants in HNF1A are expected to be pathogenic. This variant is interpreted as pathogenic.

Labcorp Genetics (formerly Invitae), Labcorp
Classification: Pathogenic. Last evaluated: 2026-01-24. Review status: criteria provided, single submitter. Criteria: Invitae Variant Classification Sherloc (09022015). Collection method: clinical testing. Allele origin: germline. Not counted in ClinVar's aggregate classification.
Comment: This sequence change creates a premature translational stop signal (p.Gly292Argfs*25) in the HNF1A gene. It is expected to result in an absent or disrupted protein product. Loss-of-function variants in HNF1A are known to be pathogenic (PMID: 15928245, 18003757). The frequency data for this variant in the population databases is considered unreliable, as metrics indicate poor data quality at this position in the gnomAD database. This premature translational stop signal has been observed in individual(s) with autosomal dominant maturity-onset diabetes of the young 3 (MODY3) (PMID: 8945470, 28862987). It has also been observed to segregate with disease in related individuals. Invitae Evidence Modeling of clinical and family history, age, sex, and reported ancestry of multiple individuals with this HNF1A variant has been performed. This variant is expected to be pathogenic with a positive predictive value of at least 99%. This is a validated machine learning model that incorporates the clinical features of 42,750 individuals referred to our laboratory for HNF1A testing. This variant is also known as P291fsinsC. ClinVar contains an entry for this variant (Variation ID: 14927). For these reasons, this variant has been classified as Pathogenic.

Rady Children's Institute for Genomic Medicine, Rady Children's Hospital San Diego
Classification: Pathogenic for HNF1A-related disorders. Last evaluated: 2025-01-14. Review status: criteria provided, single submitter. Criteria: ACMG Guidelines, 2015. Collection method: clinical testing. Allele origin: germline. Affected: yes. Not counted in ClinVar's aggregate classification.
Comment: This frameshifting variant in exon 4 of 10 is predicted to result in loss of normal protein function through either protein truncation or nonsense-mediated mRNA decay. The HNF1A gene is constrained against variation (pLI = 0.99), and loss-of-function variants are an established mechanism of disease (PMID: 35299962, 37492105). This variant has been previously reported as a heterozygous change in individuals with autosomal dominant maturity-onset diabetes of the young type 3 (MODY3) (PMID: 34373539, 25555642). The c.872dup (p.Gly292ArgfsTer25) variant is present in the latest version of the gnomAD population database at an allele frequency of 0.005% (84/1604382), thus is presumed to be rare. Based on the available evidence, c.872dup (p.Gly292ArgfsTer25) is classified as Pathogenic.

ARUP Laboratories, Molecular Genetics and Genomics, ARUP Laboratories
Classification: Pathogenic. Last evaluated: 2024-03-14. Review status: criteria provided, single submitter. Criteria: ARUP Molecular Germline Variant Investigation Process 2024. Collection method: clinical testing. Allele origin: germline. Not counted in ClinVar's aggregate classification.
Comment: The HNF1A c.872dup; p.Gly292ArgfsTer25variant (rs587776825) is reported in the literature as a recurrent pathogenic variant found in multiple individuals and families affected maturity-onset diabetes of the young (Ellard 2000, Estalella 2007, Johnson 2018, Pavic 2018, Yamagata 1996). This variant is reported in ClinVar (Variation ID: 14927) and is found in the general population with an overall allele frequency of 0.03% (86/259326) in the Genome Aggregation Database. This variant causes a frameshift by inserting a single nucleotide, so it is predicted to result in a truncated protein or mRNA subject to nonsense-mediated decay. Based on available information, this variant is considered to be pathogenic. References: Ellard S. Hepatocyte nuclear factor 1 alpha (HNF-1 alpha) mutations in maturity-onset diabetes of the young. Hum Mutat. 2000 Nov;16(5):377-85. PMID: 11058894. Estalella I et al. Mutations in GCK and HNF-1alpha explain the majority of cases with clinical diagnosis of MODY in Spain. Clin Endocrinol (Oxf). 2007 Oct;67(4):538-46. PMID: 17573900. Johnson SR et al. Whole-exome sequencing for mutation detection in pediatric disorders of insulin secretion: Maturity onset diabetes of the young and congenital hyperinsulinism. Pediatr Diabetes. 2018 Jun;19(4):656-662. PMID: 29417725. Pavic T et al. Maturity onset diabetes of the young due to HNF1A variants in Croatia. Biochem Med (Zagreb). 2018 Jun 15;28(2):020703. PMID: 29666556. Yamagata K et al. Mutations in the hepatocyte nuclear factor-1alpha gene in maturity-onset diabetes of the young (MODY3). Nature. 1996 Dec 5;384(6608):455-8. PMID: 8945470.

Athena Diagnostics
Classification: Pathogenic. Last evaluated: 2023-12-27. Review status: criteria provided, single submitter. Criteria: Athena Diagnostics Criteria. Collection method: clinical testing. Allele origin: unknown. Not counted in ClinVar's aggregate classification.
Comment: This variant is expected to result in the loss of a functional protein. The frequency of this variant in the general population is consistent with pathogenicity. (Genome Aggregation Database (gnomAD), Cambridge, MA (URL)) This variant has been identified in multiple unrelated individuals with clinical features associated with this gene. Assessment of experimental evidence suggests this variant results in abnormal protein function. (PMID: 12530534)